The following is an entry in ClinVar:

ClinVar aggregate classification (germline): Pathogenic (1 of 4 stars; one submission).

Conditions:
Glycogen storage disease, type II (IOPD). Also called: CARDIOMEGALIA GLYCOGENICA DIFFUSA; GLYCOGENOSIS, GENERALIZED, CARDIAC FORM; GSD II; Glycogen storage disease type 2; Acid maltase deficiency disease; Aglucosidase alfa. Identifiers: Orphanet 365, MedGen C0017921, MONDO:0009290, OMIM 232300.

Submission:

Myriad Genetics, Inc.
Classification: Pathogenic for Glycogen storage disease, type II. Last evaluated: 2024-11-27. Review status: criteria provided, single submitter. Criteria: Myriad Autosomal Dominant, Autosomal Recessive and X-Linked Classification Criteria (2023). Collection method: clinical testing. Allele origin: unknown.
Comment: NM_000152.3(GAA):c.2007dupC(F670Lfs*67) is expected to be pathogenic in the context of Pompe disease. This variant is predicted to lead to an abnormal or absent protein product due to the creation of a premature termination codon in GAA, a gene where loss-of-function variants are known to be pathogenic. Please note: this variant was assessed in the context of healthy population screening.

NM_000152.5(GAA):c.2007dup (p.Phe670fs)

Gene: GAA (alpha glucosidase; plus strand). Cytogenetic location: 17q25.3.
Variant type: Duplication.
Coding change: c.2007dup on transcript NM_000152.5 (MANE Select); coding-DNA position 2007, one base duplicated (C; older notation c.2007dupC).
Protein change: p.Phe670fs; shifts the reading frame from phenylalanine 670.
Molecular consequence: frameshift variant.
Genome position (GRCh38, 1-based): chr17:80,112,994, C duplicated; the last of 4 consecutive C bases (chr17:80,112,991-80,112,994); duplicating any one gives the same sequence. VCF-style (leftmost placement, unchanged base first): chr17-80112990-A-AC. GRCh37 (hg19) VCF-style: chr17-78086789-A-AC.
Other names: c.2007dup, p.Phe670fs (NM_001079803.3, NM_001079804.3, NM_001406741.1 and 1 more transcripts); short protein forms F670fs.
Identifiers: ClinVar variation 5013820 (VCV005013820.1).